The following is an entry in ClinVar:

ClinVar aggregate classification (germline): Uncertain significance (1 of 4 stars; one submission).

Conditions:
X-linked lymphoproliferative disease due to XIAP deficiency. Also called: XIAP DEFICIENCY; XIAP-Related Lymphoproliferative Disease, X-Linked. Identifiers: Orphanet 2442, Orphanet 538934, MedGen C1845076, MONDO:0010385, OMIM 300635.

Allele frequency attached by ClinVar (database versions not stated): gnomAD 0.00001 and 0.00002; gnomAD exomes 0.00001; TOPMed 0.00001.

Submission:

Labcorp Genetics (formerly Invitae), Labcorp
Classification: Uncertain significance for X-linked lymphoproliferative disease due to XIAP deficiency. Last evaluated: 2025-01-18. Review status: criteria provided, single submitter. Criteria: Invitae Variant Classification Sherloc (09022015). Collection method: clinical testing. Allele origin: germline.
Comment: This sequence change replaces tyrosine, which is neutral and polar, with cysteine, which is neutral and slightly polar, at codon 139 of the XIAP protein (p.Tyr139Cys). This variant is not present in population databases (gnomAD no frequency). This variant has not been reported in the literature in individuals affected with XIAP-related conditions. ClinVar contains an entry for this variant (Variation ID: 864155). Invitae Evidence Modeling of protein sequence and biophysical properties (such as structural, functional, and spatial information, amino acid conservation, physicochemical variation, residue mobility, and thermodynamic stability) indicates that this missense variant is not expected to disrupt XIAP protein function with a negative predictive value of 80%. In summary, the available evidence is currently insufficient to determine the role of this variant in disease. Therefore, it has been classified as a Variant of Uncertain Significance.

NM_001167.4(XIAP):c.416A>G (p.Tyr139Cys)

Gene: XIAP (X-linked inhibitor of apoptosis; plus strand). Cytogenetic location: Xq25.
Variant type: single nucleotide variant.
Coding change: c.416A>G on transcript NM_001167.4 (MANE Select); coding-DNA position 416, A replaced by G.
Protein change: p.Tyr139Cys; replaces tyrosine 139 with cysteine.
Molecular consequence: missense variant.
Genome position (GRCh38, 1-based): chrX:123,886,078, A>G. VCF-style: chrX-123886078-A-G. GRCh37 (hg19) VCF-style: chrX-123019928-A-G.
Other names: c.416A>G, p.Tyr139Cys (NM_001204401.2, NM_001378590.1, NM_001378591.1 and 1 more transcripts); short protein forms Y139C.
Identifiers: ClinVar variation 864155 (VCV000864155.9), dbSNP rs1239294219, ClinGen allele CA414123491.